The following is an entry in ClinVar:

NM_000257.4(MYH7):c.5267A>G (p.Lys1756Arg)

Genes: MYH7 (myosin heavy chain 7; minus strand), LOC126861897 (BRD4-independent group 4 enhancer GRCh37_chr14:23884455-23885654; plus strand). Cytogenetic location: 14q11.2.
Variant type: single nucleotide variant.
Coding change: c.5267A>G on transcript NM_000257.4 (MANE Select); coding-DNA position 5267, A replaced by G.
Protein change: p.Lys1756Arg; replaces lysine 1756 with arginine.
Molecular consequence: missense variant.
Genome position (GRCh38, 1-based): chr14:23,415,397, T>C on the plus strand (A>G on the coding strand, the complement: MYH7 is on the minus strand). VCF-style: chr14-23415397-T-C. GRCh37 (hg19) VCF-style: chr14-23884606-T-C.
Other names: c.5267A>G, p.Lys1756Arg (NM_001407004.1); short protein forms K1756R.
Identifiers: ClinVar variation 3075207 (VCV003075207.3), dbSNP rs1566522855, ClinGen allele CA16622067.
Genomic context (GRCh38, chr14:23,415,397, plus strand): 5'-GAGAGACACTGGTCTGGATCGGGTCGGTGGAGTGGGGGACTTACATCCGTGATGGCCTTC[T>C]TGGCCTTCTCCTCAGCATTCCTGCACTCCTGCACTGCCTCCTCCACTTCAGTCTGGAGCT-3'
Protein context (NP_000248.2, residues 1746-1766): QECRNAEEKA[Lys1756Arg]KAITDAAMMA

ClinVar aggregate classification (germline): Uncertain significance. Review status: criteria provided, multiple submitters, no conflicts (2 of 4 stars). 2 submissions from 2 submitters: Uncertain significance (2). Last evaluated 2024-05-09.

Conditions:
Cardiomyopathy (CMYO). Also called: Cardiomyopathies. Identifiers: Orphanet 167848, MedGen C0878544, MONDO:0004994, HP:0001638. Inheritance: Various modes of inheritance.
Hypertrophic cardiomyopathy. Also called: HYPERTROPHIC MYOCARDIOPATHY. Identifiers: Orphanet 217569, MedGen C0007194, MeSH D002312, MONDO:0005045, HP:0001639.

Submissions (2):

Labcorp Genetics (formerly Invitae), Labcorp
Classification: Uncertain significance for Hypertrophic cardiomyopathy. Last evaluated: 2024-05-09. Review status: criteria provided, single submitter. Criteria: Invitae Variant Classification Sherloc (09022015). Collection method: clinical testing. Allele origin: germline.
Comment: This sequence change replaces lysine, which is basic and polar, with arginine, which is basic and polar, at codon 1756 of the MYH7 protein (p.Lys1756Arg). This variant is not present in population databases (gnomAD no frequency). This missense change has been observed in individual(s) with hypertrophic cardiomyopathy (Invitae). Advanced modeling of protein sequence and biophysical properties (such as structural, functional, and spatial information, amino acid conservation, physicochemical variation, residue mobility, and thermodynamic stability) performed at Invitae indicates that this missense variant is expected to disrupt MYH7 protein function with a positive predictive value of 95%. In summary, the available evidence is currently insufficient to determine the role of this variant in disease. Therefore, it has been classified as a Variant of Uncertain Significance.

All of Us Research Program, National Institutes of Health
Classification: Uncertain significance for Cardiomyopathy. Last evaluated: 2024-01-11. Review status: criteria provided, single submitter. Criteria: ACMG Guidelines, 2015. Collection method: clinical testing. Allele origin: germline. Inheritance: Autosomal dominant inheritance. Observed: 1 variant allele, 1 heterozygote.
Comment: This study involves interpretation of variants in research participants for the purpose of population health screening. Participant phenotype was not available at the time of variant classification. Additional details can be found in publication PMID: 35346344, PMCID: PMC8962531